The following is an entry in ClinVar:

NM_015122.3(FCHO1):c.1004-1C>T

Gene: FCHO1 (FCH and mu domain containing endocytic adaptor 1; plus strand). Cytogenetic location: 19p13.11.
Variant type: single nucleotide variant.
Coding change: c.1004-1C>T on transcript NM_015122.3 (MANE Select); the canonical splice acceptor site of the intron before coding-DNA position 1004, C replaced by T.
Molecular consequence: splice acceptor variant.
Genome position (GRCh38, 1-based): chr19:17,775,982, C>T. VCF-style: chr19-17775982-C-T. GRCh37 (hg19) VCF-style: chr19-17886791-C-T.
Other names: c.1004-1C>T (NM_001384370.1, NM_001384396.1, NM_001384404.1 and 25 more transcripts); c.929-1C>T (NM_001384390.1); c.854-1C>T (NM_001384406.1, NM_001384407.1, NM_001384384.1 and 3 more transcripts); c.959-1C>T (NM_001384403.1); c.965-1C>T (NM_001384388.1, NM_001384405.1, NM_001384389.1).
Identifiers: ClinVar variation 3022338 (VCV003022338.3), dbSNP rs772008992, ClinGen allele CA9300363.

ClinVar aggregate classification (germline): Likely pathogenic (1 of 4 stars; one submission).

Submission:

Labcorp Genetics (formerly Invitae), Labcorp
Classification: Likely pathogenic. Last evaluated: 2023-12-11. Review status: criteria provided, single submitter. Criteria: Invitae Variant Classification Sherloc (09022015). Collection method: clinical testing. Allele origin: germline.
Comment: This sequence change affects an acceptor splice site in intron 15 of the FCHO1 gene. It is expected to disrupt RNA splicing. Variants that disrupt the donor or acceptor splice site typically lead to a loss of protein function (PMID: 16199547), and loss-of-function variants in FCHO1 are known to be pathogenic (PMID: 30822429). The frequency data for this variant in the population databases is considered unreliable, as metrics indicate poor data quality at this position in the gnomAD database. This variant has not been reported in the literature in individuals affected with FCHO1-related conditions. Experimental studies and prediction algorithms are not available or were not evaluated, and the effect of this variant on mRNA splicing is currently unknown. In summary, the currently available evidence indicates that the variant is pathogenic, but additional data are needed to prove that conclusively. Therefore, this variant has been classified as Likely Pathogenic.

Literature cited by the submitters: PubMed 16199547; PubMed 30822429.